The following is an entry in ClinVar:

NM_000361.3(THBD):c.1123G>C (p.Glu375Gln)

Gene: THBD (thrombomodulin; minus strand). Cytogenetic location: 20p11.21.
Variant type: single nucleotide variant.
Coding change: c.1123G>C on transcript NM_000361.3 (MANE Select); coding-DNA position 1123, G replaced by C.
Protein change: p.Glu375Gln; replaces glutamic acid 375 with glutamine.
Molecular consequence: missense variant.
Genome position (GRCh38, 1-based): chr20:23,048,382, C>G on the plus strand (G>C on the coding strand, the complement: THBD is on the minus strand). VCF-style: chr20-23048382-C-G. GRCh37 (hg19) VCF-style: chr20-23029019-C-G.
Other names: short protein forms E375Q.
Identifiers: ClinVar variation 4280521 (VCV004280521.1).

ClinVar aggregate classification (germline): Uncertain significance (1 of 4 stars; one submission).

Conditions:
Thrombomodulin-related bleeding disorder (THPH12). Also called: Thrombophilia due to thrombomodulin defect. Identifiers: Orphanet 436169, MedGen C3280976, MONDO:0013775, OMIM 614486.

Submission:

Genomenon, Inc
Classification: Uncertain significance for Thrombomodulin-related bleeding disorder. Last evaluated: 2025-09-22. Review status: criteria provided, single submitter. Criteria: Genomenon Sequence Variant Interpretation Standards - Updated. Collection method: curation. Allele origin: germline. Affected: no.
Comment: THBD p.Glu375Gln (c.1123G>C) is a missense variant that changes the amino acid at residue 375 from Glutamic acid to Glutamine. This variant has been reported in the published literature (PMID:7559494;10761923). It is absent or not present at a significant frequency in gnomAD. In conclusion, we classify THBD p.Glu375Gln (c.1123G>C) as a variant of unknown significance.

Literature cited by the submitters: PubMed 7559494; PubMed 10761923.